The following is an entry in ClinVar:

ClinVar aggregate classification (germline): Uncertain significance. Review status: criteria provided, multiple submitters, no conflicts (2 of 4 stars). 2 submissions from 2 submitters: Uncertain significance (2). Last evaluated 2025-08-13.

Conditions:
EGFR-related lung cancer (EGFR). Identifiers: MedGen CN130014.
Hereditary cancer-predisposing syndrome. Also called: Hereditary Cancer Syndrome; Hereditary neoplastic syndrome; Neoplastic Syndromes, Hereditary; Tumor predisposition. Identifiers: Orphanet 140162, MedGen C0027672, MeSH D009386, MONDO:0015356.

Allele frequency attached by ClinVar (database versions not stated): gnomAD exomes below 0.00001.
gnomAD v4.1: 3 of 1,614,234 alleles (0.00019%); highest among the groups gnomAD compares: Admixed American, 0.0017%; no homozygotes.

Submissions (2):

Ambry Genetics
Classification: Uncertain significance for Hereditary cancer-predisposing syndrome. Last evaluated: 2025-08-13. Review status: criteria provided, single submitter. Criteria: Ambry Variant Classification Scheme 2023. Collection method: clinical testing. Allele origin: germline.
Comment: The p.D191E variant (also known as c.573T>A), located in coding exon 5 of the EGFR gene, results from a T to A substitution at nucleotide position 573. The aspartic acid at codon 191 is replaced by glutamic acid, an amino acid with highly similar properties. This amino acid position is not well conserved in available vertebrate species. In addition, this alteration is predicted to be tolerated by in silico analysis. Based on the available evidence, the clinical significance of this variant remains unclear.

Labcorp Genetics (formerly Invitae), Labcorp
Classification: Uncertain significance for EGFR-related lung cancer. Last evaluated: 2025-01-06. Review status: criteria provided, single submitter. Criteria: Invitae Variant Classification Sherloc (09022015). Collection method: clinical testing. Allele origin: germline.
Comment: This sequence change replaces aspartic acid, which is acidic and polar, with glutamic acid, which is acidic and polar, at codon 191 of the EGFR protein (p.Asp191Glu). This variant is not present in population databases (gnomAD no frequency). This variant has not been reported in the literature in individuals affected with EGFR-related conditions. ClinVar contains an entry for this variant (Variation ID: 1447906). Invitae Evidence Modeling of protein sequence and biophysical properties (such as structural, functional, and spatial information, amino acid conservation, physicochemical variation, residue mobility, and thermodynamic stability) indicates that this missense variant is not expected to disrupt EGFR protein function with a negative predictive value of 80%. In summary, the available evidence is currently insufficient to determine the role of this variant in disease. Therefore, it has been classified as a Variant of Uncertain Significance.

NM_005228.5(EGFR):c.573T>A (p.Asp191Glu)

Gene: EGFR (epidermal growth factor receptor; plus strand). Cytogenetic location: 7p11.2.
Variant type: single nucleotide variant.
Coding change: c.573T>A on transcript NM_005228.5 (MANE Select); coding-DNA position 573, T replaced by A.
Protein change: p.Asp191Glu; replaces aspartic acid 191 with glutamic acid.
Molecular consequence: missense variant. On other transcripts: intron variant (1).
Genome position (GRCh38, 1-based): chr7:55,151,307, T>A. VCF-style: chr7-55151307-T-A. GRCh37 (hg19) VCF-style: chr7-55219000-T-A.
Other names: c.438T>A, p.Asp146Glu (NM_001346897.2, NM_001346899.2); c.573T>A, p.Asp191Glu (NM_001346898.2, NM_201282.2, NM_201283.2 and 1 more transcripts); c.414T>A, p.Asp138Glu (NM_001346900.2); c.89-4523T>A (NM_001346941.2); c.573T>A (NM_005228.3); short protein forms D146E, D138E, D191E.
Identifiers: ClinVar variation 1447906 (VCV001447906.8), dbSNP rs2128932481, ClinGen allele CA367576812.